The following is an entry in ClinVar:

NM_015450.3(POT1):c.1793A>G (p.Asp598Gly)

Gene: POT1 (protection of telomeres 1; minus strand). Cytogenetic location: 7q31.33.
Variant type: single nucleotide variant.
Coding change: c.1793A>G on transcript NM_015450.3 (MANE Select); coding-DNA position 1793, A replaced by G.
Protein change: p.Asp598Gly; replaces aspartic acid 598 with glycine.
Molecular consequence: missense variant. On other transcripts: non-coding transcript variant (3).
Genome position (GRCh38, 1-based): chr7:124,824,074, T>C on the plus strand (A>G on the coding strand, the complement: POT1 is on the minus strand). VCF-style: chr7-124824074-T-C. GRCh37 (hg19) VCF-style: chr7-124464128-T-C.
Other names: c.1400A>G, p.Asp467Gly (NM_001042594.2); short protein forms D598G, D467G.
Identifiers: ClinVar variation 950174 (VCV000950174.12), dbSNP rs1794572863, ClinGen allele CA369061358.

ClinVar aggregate classification (germline): Uncertain significance. Review status: criteria provided, multiple submitters, no conflicts (2 of 4 stars). 3 submissions from 3 submitters: Uncertain significance (3). Last evaluated 2026-01-14.

Conditions:
Hereditary cancer-predisposing syndrome. Also called: Tumor predisposition; Hereditary Cancer Syndrome; Neoplastic Syndromes, Hereditary; Hereditary neoplastic syndrome. Identifiers: Orphanet 140162, MedGen C0027672, MeSH D009386, MONDO:0015356.
Tumor predisposition syndrome 3 (TPDS3). Also called: Melanoma, cutaneous malignant, susceptibility to, 10; Glioma susceptibility 9; LONG TELOMERE SYNDROME, POT1-RELATED; POT1 Tumor Predisposition. Identifiers: Orphanet 618, MedGen C4014476, MONDO:0014368, OMIM 615848.

Allele frequency attached by ClinVar (database versions not stated): gnomAD exomes below 0.00001.
gnomAD v4.1: 1 of 1,574,814 alleles (0.000063%); highest among the groups gnomAD compares: East Asian, 0.0023%; no homozygotes.

Submissions (3):

Labcorp Genetics (formerly Invitae), Labcorp
Classification: Uncertain significance for Tumor predisposition syndrome 3. Last evaluated: 2026-01-14. Review status: criteria provided, single submitter. Criteria: Invitae Variant Classification Sherloc (09022015). Collection method: clinical testing. Allele origin: germline.
Comment: This sequence change replaces aspartic acid, which is acidic and polar, with glycine, which is neutral and non-polar, at codon 598 of the POT1 protein (p.Asp598Gly). This variant is not present in population databases (gnomAD no frequency). This variant has not been reported in the literature in individuals affected with POT1-related conditions. ClinVar contains an entry for this variant (Variation ID: 950174). An algorithm developed to predict the effect of missense changes on protein structure and function outputs the following: PolyPhen-2: "Benign". The glycine amino acid residue is found in multiple mammalian species, which suggests that this missense change does not adversely affect protein function. In summary, the available evidence is currently insufficient to determine the role of this variant in disease. Therefore, it has been classified as a Variant of Uncertain Significance.

Ambry Genetics
Classification: Uncertain significance for Hereditary cancer-predisposing syndrome. Last evaluated: 2025-10-23. Review status: criteria provided, single submitter. Criteria: Ambry Variant Classification Scheme 2023. Collection method: clinical testing. Allele origin: germline.
Comment: The p.D598G variant (also known as c.1793A>G) is located in coding exon 15 of the POT1 gene. The aspartic acid at codon 598 is replaced by glycine, an amino acid with similar properties. This change occurs in the first base pair of coding exon 15. This amino acid position is conserved. In addition, this alteration is predicted to be tolerated by in silico analysis. Since supporting evidence is limited at this time, the clinical significance of this alteration remains unclear.

GeneDx
Classification: Uncertain significance. Last evaluated: 2022-08-30. Review status: criteria provided, single submitter. Criteria: GeneDx Variant Classification Process June 2021. Collection method: clinical testing. Allele origin: germline. Affected: yes.
Comment: Not observed at significant frequency in large population cohorts (gnomAD); In silico analysis supports that this missense variant does not alter protein structure/function; Has not been previously published as pathogenic or benign to our knowledge; This variant is associated with the following publications: (PMID: 28393830)